The following is an entry in ClinVar:

NM_001142864.4(PIEZO1):c.768C>T (p.Gly256=)

Genes: HSALR1 (HSP90AB1 associated lncRNA 1; plus strand), PIEZO1 (piezo type mechanosensitive ion channel component 1 (Er blood group); minus strand). Cytogenetic location: 16q24.3.
Variant type: single nucleotide variant.
Coding change: c.768C>T on transcript NM_001142864.4 (MANE Select); coding-DNA position 768, C replaced by T.
Protein change: p.Gly256=; no amino-acid change (glycine 256 retained).
Molecular consequence: synonymous variant. On other transcripts: non-coding transcript variant (1).
Genome position (GRCh38, 1-based): chr16:88,738,307, G>A on the plus strand (C>T on the coding strand, the complement: PIEZO1 is on the minus strand). VCF-style: chr16-88738307-G-A. GRCh37 (hg19) VCF-style: chr16-88804715-G-A.
Other names: c.768C>T (NM_001142864.3).
Identifiers: ClinVar variation 2700011 (VCV002700011.23), dbSNP rs761959598, ClinGen allele CA8233195.

ClinVar aggregate classification (germline): Benign/Likely benign. Review status: criteria provided, multiple submitters, no conflicts (2 of 4 stars). 5 submissions from 5 submitters: Benign (1); Likely benign (3). 1 of the submissions does not count toward it. Last evaluated 2025-11-25.

Conditions:
PIEZO1-related disorder. Also called: PIEZO1-related condition; PIEZO1-Related Disorders.

Allele frequency attached by ClinVar (database versions not stated): ExAC 0.00006.
gnomAD v4.1: 169 of 1,535,754 alleles (0.011%); highest among the groups gnomAD compares: Non-Finnish European, 0.014%; no homozygotes.

Submissions (5):

Labcorp Genetics (formerly Invitae), Labcorp
Classification: Likely benign. Last evaluated: 2025-11-25. Review status: criteria provided, single submitter. Criteria: Invitae Variant Classification Sherloc (09022015). Collection method: clinical testing. Allele origin: germline.

Laboratory of Genetics, Children's Clinical University Hospital Latvia
Classification: Benign. Last evaluated: 2025-02-16. Review status: criteria provided, single submitter. Criteria: ACMG Guidelines, 2015. Collection method: clinical testing. Allele origin: germline. Affected: yes.

Blueprint Genetics
Classification: Likely benign. Last evaluated: 2024-11-12. Review status: criteria provided, single submitter. Criteria: ACMG Guidelines, 2015. Collection method: clinical testing. Allele origin: germline.

CeGaT Center for Human Genetics Tuebingen
Classification: Likely benign. Last evaluated: 2024-07-01. Review status: criteria provided, single submitter. Criteria: CeGaT Center For Human Genetics Tuebingen Variant Classification Criteria Version 2. Collection method: clinical testing. Allele origin: germline. Affected: yes. Observed: 1 variant allele.
Comment: PIEZO1: BP4, BP7

PreventionGenetics, part of Exact Sciences
Classification: Likely benign for PIEZO1-related condition. Last evaluated: 2023-09-07. Review status: no assertion criteria provided. Collection method: clinical testing. Allele origin: germline. Not counted in ClinVar's aggregate classification.
Comment: This variant is classified as likely benign based on ACMG/AMP sequence variant interpretation guidelines (Richards et al. 2015 PMID: 25741868, with internal and published modifications).